The following is an entry in ClinVar:

NM_024408.4(NOTCH2):c.6941G>C (p.Ser2314Thr)

Gene: NOTCH2 (notch receptor 2; minus strand). Cytogenetic location: 1p12.
Variant type: single nucleotide variant.
Coding change: c.6941G>C on transcript NM_024408.4 (MANE Select); coding-DNA position 6941, G replaced by C.
Protein change: p.Ser2314Thr; replaces serine 2314 with threonine.
Molecular consequence: missense variant.
Genome position (GRCh38, 1-based): chr1:119,915,781, C>G on the plus strand (G>C on the coding strand, the complement: NOTCH2 is on the minus strand). VCF-style: chr1-119915781-C-G. GRCh37 (hg19) VCF-style: chr1-120458404-C-G.
Other names: short protein forms S2314T.
Identifiers: ClinVar variation 3622055 (VCV003622055.2).

ClinVar aggregate classification (germline): Uncertain significance (1 of 4 stars; one submission).

Conditions:
Hajdu-Cheney syndrome (HJCYS). Also called: SERPENTINE FIBULA-POLYCYSTIC KIDNEY SYNDROME; Acroosteolysis dominant type; ACROOSTEOLYSIS WITH OSTEOPOROSIS AND CHANGES IN SKULL AND MANDIBLE. Identifiers: Orphanet 955, MedGen C0917715, MONDO:0007057, OMIM 102500.

gnomAD v4.1: 2 of 1,610,738 alleles (0.00012%); highest among the groups gnomAD compares: Non-Finnish European, 0.000085%; no homozygotes.

Submission:

Labcorp Genetics (formerly Invitae), Labcorp
Classification: Uncertain significance for Hajdu-Cheney syndrome. Last evaluated: 2024-11-29. Review status: criteria provided, single submitter. Criteria: Invitae Variant Classification Sherloc (09022015). Collection method: clinical testing. Allele origin: germline.
Comment: This sequence change replaces serine, which is neutral and polar, with threonine, which is neutral and polar, at codon 2314 of the NOTCH2 protein (p.Ser2314Thr). This variant is not present in population databases (gnomAD no frequency). This variant has not been reported in the literature in individuals affected with NOTCH2-related conditions. Invitae Evidence Modeling of protein sequence and biophysical properties (such as structural, functional, and spatial information, amino acid conservation, physicochemical variation, residue mobility, and thermodynamic stability) indicates that this missense variant is not expected to disrupt NOTCH2 protein function with a negative predictive value of 80%. In summary, the available evidence is currently insufficient to determine the role of this variant in disease. Therefore, it has been classified as a Variant of Uncertain Significance.